The following is an entry in ClinVar:

ClinVar aggregate classification (germline): Uncertain significance. Review status: criteria provided, multiple submitters, no conflicts (2 of 4 stars). 2 submissions from 2 submitters: Uncertain significance (2). Last evaluated 2023-01-26.

Conditions:
Epilepsy. Also called: Seizure disorder. Identifiers: MedGen C0014544, MeSH D004827, MONDO:0005027.

Allele frequency attached by ClinVar (database versions not stated): gnomAD 0.00001; gnomAD exomes 0.00001 and 0.00002; ExAC 0.00002; TOPMed 0.00002.
gnomAD v4.1: 27 of 1,613,640 alleles (0.0017%); highest among the groups gnomAD compares: Non-Finnish European, 0.0022%; no homozygotes.

Submissions (2):

Blueprint Genetics
Classification: Uncertain significance. Last evaluated: 2023-01-26. Review status: criteria provided, single submitter. Criteria: ACMG Guidelines, 2015. Collection method: clinical testing. Allele origin: germline.

Labcorp Genetics (formerly Invitae), Labcorp
Classification: Uncertain significance for Epilepsy. Last evaluated: 2022-07-26. Review status: criteria provided, single submitter. Criteria: Invitae Variant Classification Sherloc (09022015). Collection method: clinical testing. Allele origin: germline.
Comment: This sequence change replaces threonine, which is neutral and polar, with methionine, which is neutral and non-polar, at codon 382 of the PIGQ protein (p.Thr382Met). This variant is present in population databases (rs780359107, gnomAD 0.003%). This variant has not been reported in the literature in individuals affected with PIGQ-related conditions. ClinVar contains an entry for this variant (Variation ID: 653857). Algorithms developed to predict the effect of missense changes on protein structure and function are either unavailable or do not agree on the potential impact of this missense change (SIFT: "Deleterious"; PolyPhen-2: "Probably Damaging"; Align-GVGD: "Class C15"). In summary, the available evidence is currently insufficient to determine the role of this variant in disease. Therefore, it has been classified as a Variant of Uncertain Significance.

NM_004204.5(PIGQ):c.1145C>T (p.Thr382Met)

Gene: PIGQ (phosphatidylinositol glycan anchor biosynthesis class Q; plus strand). Cytogenetic location: 16p13.3.
Variant type: single nucleotide variant.
Coding change: c.1145C>T on transcript NM_004204.5 (MANE Select); coding-DNA position 1145, C replaced by T.
Protein change: p.Thr382Met; replaces threonine 382 with methionine.
Molecular consequence: missense variant.
Genome position (GRCh38, 1-based): chr16:578,860, C>T. VCF-style: chr16-578860-C-T. GRCh37 (hg19) VCF-style: chr16-628860-C-T.
Other names: c.1145C>T, p.Thr382Met (NM_148920.4); short protein forms T382M.
Identifiers: ClinVar variation 653857 (VCV000653857.5), dbSNP rs780359107, ClinGen allele CA7780132.